The following is an entry in ClinVar:

NM_000181.4(GUSB):c.695C>T (p.Thr232Ile)

Gene: GUSB (glucuronidase beta; minus strand). Cytogenetic location: 7q11.21.
Variant type: single nucleotide variant.
Coding change: c.695C>T on transcript NM_000181.4 (MANE Select); coding-DNA position 695, C replaced by T.
Protein change: p.Thr232Ile; replaces threonine 232 with isoleucine.
Molecular consequence: missense variant. On other transcripts: non-coding transcript variant (1), intron variant (2).
Genome position (GRCh38, 1-based): chr7:65,979,428, G>A on the plus strand (C>T on the coding strand, the complement: GUSB is on the minus strand). VCF-style: chr7-65979428-G-A. GRCh37 (hg19) VCF-style: chr7-65444415-G-A.
Other names: c.125C>T, p.Thr42Ile (NM_001293104.2); c.67+796C>T (NM_001293105.2); c.474+406C>T (NM_001284290.2); short protein forms T42I, T232I.
Identifiers: ClinVar variation 2189603 (VCV002189603.1), dbSNP rs138618819, ClinGen allele CA367649207.

ClinVar aggregate classification (germline): Uncertain significance (1 of 4 stars; one submission).

Conditions:
Mucopolysaccharidosis type 7 (MPS7). Also called: SLY SYNDROME; MPS VII; BETA-GLUCURONIDASE DEFICIENCY; GUSB DEFICIENCY. Identifiers: Orphanet 584, MedGen C0085132, MONDO:0009662, OMIM 253220.

Submission:

Labcorp Genetics (formerly Invitae), Labcorp
Classification: Uncertain significance for Mucopolysaccharidosis type 7. Last evaluated: 2021-12-08. Review status: criteria provided, single submitter. Criteria: Invitae Variant Classification Sherloc (09022015). Collection method: clinical testing. Allele origin: germline.
Comment: This sequence change replaces threonine, which is neutral and polar, with isoleucine, which is neutral and non-polar, at codon 232 of the GUSB protein (p.Thr232Ile). This variant is not present in population databases (gnomAD no frequency). This variant has not been reported in the literature in individuals affected with GUSB-related conditions. Algorithms developed to predict the effect of missense changes on protein structure and function (SIFT, PolyPhen-2, Align-GVGD) all suggest that this variant is likely to be tolerated. In summary, the available evidence is currently insufficient to determine the role of this variant in disease. Therefore, it has been classified as a Variant of Uncertain Significance.